The following is an entry in ClinVar:

ClinVar aggregate classification (germline): Uncertain significance (1 of 4 stars; one submission).

gnomAD v4.1: 5 of 1,407,224 alleles (0.00036%); highest among the groups gnomAD compares: African/African-American, 0.0029%; no homozygotes.

Submission:

Labcorp Genetics (formerly Invitae), Labcorp
Classification: Uncertain significance. Last evaluated: 2025-06-12. Review status: criteria provided, single submitter. Criteria: Invitae Variant Classification Sherloc (09022015). Collection method: clinical testing. Allele origin: germline.
Comment: This sequence change affects codon 329 of the FOXL2 mRNA. It is a 'silent' change, meaning that it does not change the encoded amino acid sequence of the FOXL2 protein. This variant is not present in population databases (gnomAD no frequency). This variant has not been reported in the literature in individuals affected with FOXL2-related conditions. ClinVar contains an entry for this variant (Variation ID: 3616645). In summary, the available evidence is currently insufficient to determine the role of this variant in disease. Therefore, it has been classified as a Variant of Uncertain Significance.

NM_023067.4(FOXL2):c.987C>T (p.Thr329=)

Gene: FOXL2 (forkhead box L2; minus strand). Cytogenetic location: 3q22.3.
Variant type: single nucleotide variant.
Coding change: c.987C>T on transcript NM_023067.4 (MANE Select); coding-DNA position 987, C replaced by T.
Protein change: p.Thr329=; no amino-acid change (threonine 329 retained).
Molecular consequence: synonymous variant.
Genome position (GRCh38, 1-based): chr3:138,945,736, G>A on the plus strand (C>T on the coding strand, the complement: FOXL2 is on the minus strand). VCF-style: chr3-138945736-G-A. GRCh37 (hg19) VCF-style: chr3-138664578-G-A.
Identifiers: ClinVar variation 3616645 (VCV003616645.2).